The following is an entry in ClinVar:

NC_000001.11:g.37540749_37540757del

Genes: SNIP1 (Smad nuclear interacting protein 1; minus strand), LOC126805704 (BRD4-independent group 4 enhancer GRCh37_chr1:38005292-38006491; plus strand). Cytogenetic location: 1p34.3.
Variant type: Deletion.
Genome position: GRCh38 VCF-style: chr1-37540744-ATCCTCACGC-A. GRCh37 (hg19) VCF-style: chr1-38006345-ATCCTCACGC-A.
Identifiers: ClinVar variation 1380003 (VCV001380003.9), dbSNP rs2148113035, ClinGen allele CA2573132263.

ClinVar aggregate classification (germline): Uncertain significance (1 of 4 stars; one submission).

Submission:

Labcorp Genetics (formerly Invitae), Labcorp
Classification: Uncertain significance. Last evaluated: 2023-07-17. Review status: criteria provided, single submitter. Criteria: Invitae Variant Classification Sherloc (09022015). Collection method: clinical testing. Allele origin: germline.
Comment: In summary, the available evidence is currently insufficient to determine the role of this variant in disease. Therefore, it has been classified as a Variant of Uncertain Significance. Experimental studies and prediction algorithms are not available or were not evaluated, and the functional significance of this variant is currently unknown. ClinVar contains an entry for this variant (Variation ID: 1380003). This variant has not been reported in the literature in individuals affected with SNIP1-related conditions. This variant is not present in population databases (gnomAD no frequency). This variant, c.330_338del, results in the deletion of 3 amino acid(s) of the SNIP1 protein (p.Glu110_Glu112del), but otherwise preserves the integrity of the reading frame.